The following is an entry in ClinVar:

ClinVar aggregate classification (germline): Uncertain significance (1 of 4 stars; one submission).

Submission:

Labcorp Genetics (formerly Invitae), Labcorp
Classification: Uncertain significance. Last evaluated: 2022-05-04. Review status: criteria provided, single submitter. Criteria: Invitae Variant Classification Sherloc (09022015). Collection method: clinical testing. Allele origin: germline.
Comment: In summary, the available evidence is currently insufficient to determine the role of this variant in disease. Therefore, it has been classified as a Variant of Uncertain Significance. Algorithms developed to predict the effect of missense changes on protein structure and function output the following: SIFT: "Tolerated"; PolyPhen-2: "Benign"; Align-GVGD: "Class C0". The asparagine amino acid residue is found in multiple mammalian species, which suggests that this missense change does not adversely affect protein function. This variant has not been reported in the literature in individuals affected with RTTN-related conditions. This variant is not present in population databases (gnomAD no frequency). This sequence change replaces histidine, which is basic and polar, with asparagine, which is neutral and polar, at codon 1769 of the RTTN protein (p.His1769Asn).

NM_173630.4(RTTN):c.5305C>A (p.His1769Asn)

Gene: RTTN (rotatin; minus strand). Cytogenetic location: 18q22.2.
Variant type: single nucleotide variant.
Coding change: c.5305C>A on transcript NM_173630.4 (MANE Select); coding-DNA position 5305, C replaced by A.
Protein change: p.His1769Asn; replaces histidine 1769 with asparagine.
Molecular consequence: missense variant.
Genome position (GRCh38, 1-based): chr18:70,051,429, G>T on the plus strand (C>A on the coding strand, the complement: RTTN is on the minus strand). VCF-style: chr18-70051429-G-T. GRCh37 (hg19) VCF-style: chr18-67718665-G-T.
Other names: c.2569C>A, p.His857Asn (NM_001318520.2); short protein forms H857N, H1769N.
Identifiers: ClinVar variation 2133806 (VCV002133806.4), dbSNP rs2511991216, ClinGen allele CA402691359.